The following is an entry in ClinVar:

ClinVar aggregate classification (germline): Uncertain significance. Review status: criteria provided, multiple submitters, no conflicts (2 of 4 stars). 2 submissions from 2 submitters: Uncertain significance (2). Last evaluated 2025-02-20.

Conditions:
Familial thoracic aortic aneurysm and aortic dissection (TAAD). Also called: Thoracic aortic aneurysms and dissections. Identifiers: Orphanet 91387, MedGen C4707243, MONDO:0019625.

gnomAD v4.1: 1 of 1,613,880 alleles (0.000062%); highest among the groups gnomAD compares: South Asian, 0.0011%; no homozygotes.

Submissions (2):

Ambry Genetics
Classification: Uncertain significance for Familial thoracic aortic aneurysm and aortic dissection. Last evaluated: 2025-02-20. Review status: criteria provided, single submitter. Criteria: Ambry Variant Classification Scheme 2023. Collection method: clinical testing. Allele origin: germline.
Comment: The p.H105Y variant (also known as c.313C>T), located in coding exon 2 of the TGFBR1 gene, results from a C to T substitution at nucleotide position 313. The histidine at codon 105 is replaced by tyrosine, an amino acid with similar properties. This amino acid position is conserved. In addition, the in silico prediction for this alteration is inconclusive. Based on the available evidence, the clinical significance of this variant remains unclear.

Labcorp Genetics (formerly Invitae), Labcorp
Classification: Uncertain significance for Familial thoracic aortic aneurysm and aortic dissection. Last evaluated: 2024-05-20. Review status: criteria provided, single submitter. Criteria: Invitae Variant Classification Sherloc (09022015). Collection method: clinical testing. Allele origin: germline.
Comment: This sequence change replaces histidine, which is basic and polar, with tyrosine, which is neutral and polar, at codon 105 of the TGFBR1 protein (p.His105Tyr). This variant is not present in population databases (gnomAD no frequency). This variant has not been reported in the literature in individuals affected with TGFBR1-related conditions. Advanced modeling of protein sequence and biophysical properties (such as structural, functional, and spatial information, amino acid conservation, physicochemical variation, residue mobility, and thermodynamic stability) performed at Invitae indicates that this missense variant is not expected to disrupt TGFBR1 protein function with a negative predictive value of 80%. In summary, the available evidence is currently insufficient to determine the role of this variant in disease. Therefore, it has been classified as a Variant of Uncertain Significance.

NM_004612.4(TGFBR1):c.313C>T (p.His105Tyr)

Gene: TGFBR1 (transforming growth factor beta receptor 1; plus strand). Cytogenetic location: 9q22.33.
Variant type: single nucleotide variant.
Coding change: c.313C>T on transcript NM_004612.4 (MANE Select); coding-DNA position 313, C replaced by T.
Protein change: p.His105Tyr; replaces histidine 105 with tyrosine.
Molecular consequence: missense variant. On other transcripts: non-coding transcript variant (4), intron variant (3).
Genome position (GRCh38, 1-based): chr9:99,129,070, C>T. VCF-style: chr9-99129070-C-T. GRCh37 (hg19) VCF-style: chr9-101891352-C-T.
Other names: c.313C>T, p.His105Tyr (NM_001130916.3, NM_001306210.2, NM_001407416.1 and 2 more transcripts); c.106C>T, p.His36Tyr (NM_001407418.1, NM_001407419.1, NM_001407420.1 and 12 more transcripts); c.98-3439C>T (NM_001407436.1); c.98-8789C>T (NM_001407438.1); c.98-13466C>T (NM_001407437.1); c.313C>T (NM_004612.2); short protein forms H105Y, H36Y.
Identifiers: ClinVar variation 3704338 (VCV003704338.3).